The following is an entry in ClinVar:

ClinVar aggregate classification (germline): Uncertain significance (1 of 4 stars; one submission).

Submission:

GeneDx
Classification: Uncertain significance. Last evaluated: 2022-07-21. Review status: criteria provided, single submitter. Criteria: GeneDx Variant Classification Process June 2021. Collection method: clinical testing. Allele origin: germline. Affected: yes.
Comment: Not observed at significant frequency in large population cohorts (gnomAD); In silico analysis supports that this missense variant does not alter protein structure/function; Has not been previously published as pathogenic or benign to our knowledge; Occurs in the triple helical domain at the Y position in the canonical Gly-X-Y repeat; although this variant may have an effect on normal protein folding and function, missense substitution at the Y position is not a common mechanism of disease

NM_033380.3(COL4A5):c.4303C>T (p.Pro1435Ser)

Gene: COL4A5 (collagen type IV alpha 5 chain; plus strand). Cytogenetic location: Xq22.3.
Variant type: single nucleotide variant.
Coding change: c.4303C>T on transcript NM_033380.3 (MANE Select); coding-DNA position 4303, C replaced by T.
Protein change: p.Pro1435Ser; replaces proline 1435 with serine.
Molecular consequence: missense variant.
Genome position (GRCh38, 1-based): chrX:108,686,117, C>T. VCF-style: chrX-108686117-C-T. GRCh37 (hg19) VCF-style: chrX-107929347-C-T.
Other names: c.4285C>T, p.Pro1429Ser (NM_000495.5); short protein forms P1429S, P1435S.
Identifiers: ClinVar variation 2136184 (VCV002136184.1), dbSNP rs2524628780, ClinGen allele CA413853797.